The following is an entry in ClinVar:

ClinVar aggregate classification (germline): Likely benign. Review status: criteria provided, multiple submitters, no conflicts (2 of 4 stars). 3 submissions from 3 submitters: Likely benign (2). 1 of the submissions does not count toward it. Last evaluated 2026-01-11.

Conditions:
Cardiovascular phenotype. Identifiers: MedGen CN230736.
LOX-related disorder. Also called: LOX-related condition; LOX-related disorders.

Allele frequency attached by ClinVar (database versions not stated): ExAC 0.00002; ESP Exome Variant Server 0.00008; gnomAD 0.00015; TOPMed 0.00016.
gnomAD v4.1: 33 of 1,613,314 alleles (0.002%); highest among the groups gnomAD compares: African/African-American, 0.044%; no homozygotes.

Submissions (3):

Labcorp Genetics (formerly Invitae), Labcorp
Classification: Likely benign. Last evaluated: 2026-01-11. Review status: criteria provided, single submitter. Criteria: Invitae Variant Classification Sherloc (09022015). Collection method: clinical testing. Allele origin: germline.

Ambry Genetics
Classification: Likely benign for Cardiovascular phenotype. Last evaluated: 2021-07-23. Review status: criteria provided, single submitter. Criteria: Ambry Variant Classification Scheme 2023. Collection method: clinical testing. Allele origin: germline.

PreventionGenetics, part of Exact Sciences
Classification: Likely benign for LOX-related condition. Last evaluated: 2023-04-20. Review status: no assertion criteria provided. Collection method: clinical testing. Allele origin: germline. Not counted in ClinVar's aggregate classification.
Comment: This variant is classified as likely benign based on ACMG/AMP sequence variant interpretation guidelines (Richards et al. 2015 PMID: 25741868, with internal and published modifications).

NM_002317.7(LOX):c.855C>G (p.Ser285=)

Genes: LOX (lysyl oxidase; minus strand), SRFBP1 (serum response factor binding protein 1; plus strand). Cytogenetic location: 5q23.1.
Variant type: single nucleotide variant.
Coding change: c.855C>G on transcript NM_002317.7 (MANE Select); coding-DNA position 855, C replaced by G.
Protein change: p.Ser285=; no amino-acid change (serine 285 retained).
Molecular consequence: synonymous variant. On other transcripts: 5 prime UTR variant (1).
Genome position (GRCh38, 1-based): chr5:122,075,427, G>C on the plus strand (C>G on the coding strand, the complement: LOX is on the minus strand). VCF-style: chr5-122075427-G-C. GRCh37 (hg19) VCF-style: chr5-121411122-G-C.
Other names: c.855C>G (NM_002317.6); c.165C>G, p.Ser55= (NM_001178102.2); c.-37C>G (NM_001317073.1).
Identifiers: ClinVar variation 1763847 (VCV001763847.11), dbSNP rs377662846, ClinGen allele CA3383924.